The following is an entry in ClinVar:

ClinVar aggregate classification (germline): Likely pathogenic (1 of 4 stars; one submission).

Conditions:
Osteogenesis imperfecta with normal sclerae, dominant form (OI4). Also called: OSTEOGENESIS IMPERFECTA, TYPE IV, WITH DENTINOGENESIS IMPERFECTA; OSTEOGENESIS IMPERFECTA WITH NORMAL SCLERAE; Osteogenesis imperfecta type 4; Common Variable Osteogenesis Imperfecta with Normal Sclerae; Osteogenesis Imperfecta Type IV. Identifiers: Orphanet 216820, Orphanet 666, MedGen C0268363, MONDO:0008148, OMIM 166220.

Submission:

Clinical Biomedical Laboratory, Shriners Hospital For Children - Canada
Classification: Likely pathogenic for Osteogenesis imperfecta with normal sclerae, dominant form. Last evaluated: 2025-06-18. Review status: criteria provided, single submitter. Criteria: ACMG Guidelines, 2015. Collection method: clinical testing. Allele origin: germline. Affected: yes.
Comment: This variant is predicted to substitute a glycine residue by an aspartate residue in the triple helical domain of collagen type I alpha1 chain. Glycine substitutions in the triple helical domain of collagen type I cause disruption in the formation of the triple helix in the collagen molecule and are a typical cause of osteogenesis imperfecta. In the Genome Aggregation Database (gnomAD v2.1.1) this variant is not present. A variant leading to the same amino acid change has been reported as a cause of osteogenesis imperfecta in the literature (PMID 27509835).

Literature cited by the submitters: PubMed 27509835.

NM_000088.4(COL1A1):c.635_636delinsAC (p.Gly212Asp)

Gene: COL1A1 (collagen type I alpha 1 chain; minus strand). Cytogenetic location: 17q21.33.
Variant type: Indel.
Coding change: c.635_636delinsAC on transcript NM_000088.4 (MANE Select); coding-DNA positions 635 to 636, GA replaced by AC.
Protein change: p.Gly212Asp; replaces glycine 212 with aspartic acid.
Molecular consequence: missense variant.
Genome position (GRCh38, 1-based): chr17:50,197,955-50,197,956, TC replaced by GT on the plus strand (GA replaced by AC on the coding strand, the reverse complement: COL1A1 is on the minus strand). VCF-style: chr17-50197955-TC-GT. GRCh37 (hg19) VCF-style: chr17-48275316-TC-GT.
Other names: short protein forms G212D.
Identifiers: ClinVar variation 3912060 (VCV003912060.1).